The following is an entry in ClinVar:

NM_182931.3(KMT2E):c.2995G>T (p.Gly999Cys)

Gene: KMT2E (lysine methyltransferase 2E (inactive); plus strand). Cytogenetic location: 7q22.3.
Variant type: single nucleotide variant.
Coding change: c.2995G>T on transcript NM_182931.3 (MANE Select); coding-DNA position 2995, G replaced by T.
Protein change: p.Gly999Cys; replaces glycine 999 with cysteine.
Molecular consequence: missense variant.
Genome position (GRCh38, 1-based): chr7:105,107,452, G>T. VCF-style: chr7-105107452-G-T. GRCh37 (hg19) VCF-style: chr7-104747899-G-T.
Other names: c.2995G>T, p.Gly999Cys (NM_018682.4); c.2995G>T (NM_182931.2); short protein forms G999C.
Identifiers: ClinVar variation 1601775 (VCV001601775.10), dbSNP rs117986340, ClinGen allele CA4424379.

ClinVar aggregate classification (germline): Benign. Review status: criteria provided, multiple submitters, no conflicts (2 of 4 stars). 3 submissions from 3 submitters: Benign (3). Last evaluated 2026-02-03.

Allele frequency attached by ClinVar (database versions not stated): 1000 Genomes Project 0.01538; 1000 Genomes Project 30x 0.01562; TOPMed 0.02835; ESP Exome Variant Server 0.03283; gnomAD 0.03716 and 0.03908; ExAC 0.03771; gnomAD exomes 0.03881 and 0.04388.
gnomAD v4.1: 69,633 of 1,613,710 alleles (4.3%); highest among the groups gnomAD compares: Non-Finnish European, 4.7%; 2,015 homozygotes.

Submissions (3):

Labcorp Genetics (formerly Invitae), Labcorp
Classification: Benign. Last evaluated: 2026-02-03. Review status: criteria provided, single submitter. Criteria: Invitae Variant Classification Sherloc (09022015). Collection method: clinical testing. Allele origin: germline.

GeneDx
Classification: Benign. Last evaluated: 2021-12-22. Review status: criteria provided, single submitter. Criteria: GeneDx Variant Classification Process June 2021. Collection method: clinical testing. Allele origin: germline. Affected: yes.
Comment: See Variant Classification Assertion Criteria.

Breakthrough Genomics
Classification: Benign. Review status: criteria provided, single submitter. Criteria: ACMG Guidelines, 2015. Collection method: not provided. Allele origin: germline. Inheritance: Autosomal dominant inheritance. Affected: yes.